The following is an entry in ClinVar:

NM_006517.5(SLC16A2):c.251A>T (p.Glu84Val)

Gene: SLC16A2 (solute carrier family 16 member 2; plus strand). Cytogenetic location: Xq13.2.
Variant type: single nucleotide variant.
Coding change: c.251A>T on transcript NM_006517.5 (MANE Select); coding-DNA position 251, A replaced by T.
Protein change: p.Glu84Val; replaces glutamic acid 84 with valine.
Molecular consequence: missense variant.
Genome position (GRCh38, 1-based): chrX:74,421,888, A>T. VCF-style: chrX-74421888-A-T. GRCh37 (hg19) VCF-style: chrX-73641723-A-T.
Other names: short protein forms E84V.
Identifiers: ClinVar variation 4281512 (VCV004281512.7).
Genomic context (GRCh38, chrX:74,421,888, plus strand): 5'-TGCCGGAGCTGGAGTTCGAGTCCGAGCGGGTGCACGAACCCGAGCCCACGCCTACGGTAG[A>T]GACCCGCGGCACCGCGCGCGGCTTCCAGCCTCCCGAAGGTGGCTTCGGCTGGGTGGTGGT-3'
Protein context (NP_006508.2, residues 74-94): VHEPEPTPTV[Glu84Val]TRGTARGFQP

ClinVar aggregate classification (germline): Uncertain significance (1 of 4 stars; one submission).

Submission:

CeGaT Center for Human Genetics Tuebingen
Classification: Uncertain significance. Last evaluated: 2025-09-01. Review status: criteria provided, single submitter. Criteria: CeGaT Center For Human Genetics Tuebingen Variant Classification Criteria Version 2. Collection method: clinical testing. Allele origin: germline. Affected: yes. Observed: 1 variant allele.
Comment: SLC16A2: PM2